The following is an entry in ClinVar:

NM_022455.5(NSD1):c.2858_2859insG (p.Ser953_Lys954insTer)

Gene: NSD1 (nuclear receptor binding SET domain protein 1; plus strand). Cytogenetic location: 5q35.3.
Variant type: Insertion.
Coding change: c.2858_2859insG on transcript NM_022455.5 (MANE Select); coding-DNA positions 2858 to 2859, G inserted.
Protein change: p.Ser953_Lys954insTer.
Molecular consequence: frameshift variant.
Genome position: GRCh38 VCF-style: chr5-177211257-C-CG. GRCh37 (hg19) VCF-style: chr5-176638258-C-CG.
Other names: c.1985_1986insG, p.Ser662_Lys663insTer (NM_001365684.2, NM_001409306.1, NM_001409307.1 and 3 more transcripts); c.2858_2859insG, p.Ser953_Lys954insTer (NM_001409301.1, NM_001409302.1, NM_001409303.1); c.2438_2439insG, p.Ser813_Lys814insTer (NM_001409304.1); c.2105_2106insG, p.Ser702_Lys703insTer (NM_001409305.1).
Identifiers: ClinVar variation 4719428 (VCV004719428.1).

ClinVar aggregate classification (germline): Pathogenic (1 of 4 stars; one submission).

Submission:

Labcorp Genetics (formerly Invitae), Labcorp
Classification: Pathogenic. Last evaluated: 2025-05-18. Review status: criteria provided, single submitter. Criteria: Invitae Variant Classification Sherloc (09022015). Collection method: clinical testing. Allele origin: germline.
Comment: This sequence change creates a premature translational stop signal (p.Lys954*) in the NSD1 gene. It is expected to result in an absent or disrupted protein product. Loss-of-function variants in NSD1 are known to be pathogenic (PMID: 12464997, 14571271, 15942875, 16247291). This variant is not present in population databases (gnomAD no frequency). This premature translational stop signal has been observed in individual(s) with Sotos syndrome (PMID: 26613968). For these reasons, this variant has been classified as Pathogenic.

Literature cited by the submitters: PubMed 12464997; PubMed 14571271; PubMed 15942875; PubMed 16247291; PubMed 26613968.